The following is an entry in ClinVar:

ClinVar aggregate classification (germline): Uncertain significance. Review status: criteria provided, multiple submitters, no conflicts (2 of 4 stars). 4 submissions from 4 submitters: Uncertain significance (4). Last evaluated 2026-09-03.

Conditions:
Cardiovascular phenotype. Identifiers: MedGen CN230736.
DiGeorge syndrome. Also called: THIRD AND FOURTH PHARYNGEAL POUCH SYNDROME; Catch22. Identifiers: Orphanet 567, MedGen C0012236, MONDO:0008564, OMIM 188400.

Allele frequency attached by ClinVar (database versions not stated): ExAC 0.00002; TOPMed 0.00002; gnomAD exomes 0.00001 and 0.00003.
gnomAD v4.1: 16 of 1,613,250 alleles (0.00099%); highest among the groups gnomAD compares: Admixed American, 0.005%; no homozygotes.

Submissions (4):

GeneDx
Classification: Uncertain significance. Last evaluated: 2026-09-03. Review status: criteria provided, single submitter. Criteria: GeneDx Variant Classification Process June 2021. Collection method: clinical testing. Allele origin: germline.
Comment: Reported de novo in at least one individual from large cohort studies with autism spectrum disorder, but detailed clinical information was not provided (PMID: 33057194, 35982160, 35982159); In silico analysis supports that this missense variant has a deleterious effect on protein structure/function; This variant is associated with the following publications: (PMID: 33057194, 35982160, 35982159)

Ambry Genetics
Classification: Uncertain significance for Cardiovascular phenotype. Last evaluated: 2025-10-01. Review status: criteria provided, single submitter. Criteria: Ambry Variant Classification Scheme 2023. Collection method: clinical testing. Allele origin: germline.
Comment: The c.590C>T (p.P197L) alteration is located in exon 5 (coding exon 4) of the TBX1 gene. This alteration results from a C to T substitution at nucleotide position 590, causing the proline (P) at amino acid position 197 to be replaced by a leucine (L). Based on data from gnomAD, the T allele has an overall frequency of 0.003% (7/250266) total alleles studied. The highest observed frequency was 0.01% (3/30596) of South Asian alleles. Based on insufficient or conflicting evidence, the clinical significance of this alteration remains unclear.

Labcorp Genetics (formerly Invitae), Labcorp
Classification: Uncertain significance for DiGeorge syndrome. Last evaluated: 2024-11-19. Review status: criteria provided, single submitter. Criteria: Invitae Variant Classification Sherloc (09022015). Collection method: clinical testing. Allele origin: germline.
Comment: This sequence change replaces proline, which is neutral and non-polar, with leucine, which is neutral and non-polar, at codon 197 of the TBX1 protein (p.Pro197Leu). This variant is present in population databases (rs766608075, gnomAD 0.009%). This missense change has been observed in individual(s) with clinical features of TBX1-related conditions (PMID: 33057194). ClinVar contains an entry for this variant (Variation ID: 418725). Invitae Evidence Modeling of protein sequence and biophysical properties (such as structural, functional, and spatial information, amino acid conservation, physicochemical variation, residue mobility, and thermodynamic stability) indicates that this missense variant is expected to disrupt TBX1 protein function with a positive predictive value of 80%. In summary, the available evidence is currently insufficient to determine the role of this variant in disease. Therefore, it has been classified as a Variant of Uncertain Significance.

Athena Diagnostics
Classification: Uncertain significance. Last evaluated: 2019-08-05. Review status: criteria provided, single submitter. Criteria: Athena Diagnostics Criteria. Collection method: clinical testing. Allele origin: germline.

Literature cited by the submitters: PubMed 33057194 (cited by Labcorp Genetics (formerly Invitae), Labcorp).

NM_001379200.1(TBX1):c.617C>T (p.Pro206Leu)

Gene: TBX1 (T-box transcription factor 1; plus strand). Cytogenetic location: 22q11.21.
Variant type: single nucleotide variant.
Coding change: c.617C>T on transcript NM_001379200.1 (MANE Select); coding-DNA position 617, C replaced by T.
Protein change: p.Pro206Leu; replaces proline 206 with leucine.
Molecular consequence: missense variant.
Genome position (GRCh38, 1-based): chr22:19,764,232, C>T. VCF-style: chr22-19764232-C-T. GRCh37 (hg19) VCF-style: chr22-19751755-C-T.
Other names: c.590C>T, p.Pro197Leu (NM_005992.1, NM_080646.2, NM_080647.1); short protein forms P197L, P206L.
Identifiers: ClinVar variation 418725 (VCV000418725.13), dbSNP rs766608075, ClinGen allele CA10102504.
Genomic context (GRCh38, chr22:19,764,232, plus strand): 5'-CCTCCTGGCTGGTGGCGGGGAAGGCCGACCCTGCCACGCCAGGCCGCGTGCACTACCACC[C>T]GGACTCGCCTGCCAAGGGCGCGCAGTGGATGAAGCAAATCGTGTCCTTCGACAAGCTCAA-3'
Protein context (NP_001366129.1, residues 196-216): PATPGRVHYH[Pro206Leu]DSPAKGAQWM